The following is an entry in ClinVar:

ClinVar aggregate classification (germline): Likely benign (1 of 4 stars; one submission).

Allele frequency attached by ClinVar (database versions not stated): ExAC 0.00001.
gnomAD v4.1: 3 of 1,613,118 alleles (0.00019%); highest among the groups gnomAD compares: East Asian, 0.0022%; no homozygotes.

Submission:

CeGaT Center for Human Genetics Tuebingen
Classification: Likely benign. Last evaluated: 2022-09-01. Review status: criteria provided, single submitter. Criteria: CeGaT Center For Human Genetics Tuebingen Variant Classification Criteria Version 2. Collection method: clinical testing. Allele origin: germline. Affected: yes. Observed: 1 variant allele.
Comment: EPCAM: BP4, BP7

NM_002354.3(EPCAM):c.888G>A (p.Lys296=)

Gene: EPCAM (epithelial cell adhesion molecule; plus strand). Cytogenetic location: 2p21.
Variant type: single nucleotide variant.
Coding change: c.888G>A on transcript NM_002354.3 (MANE Select); coding-DNA position 888, G replaced by A.
Protein change: p.Lys296=; no amino-acid change (lysine 296 retained).
Molecular consequence: synonymous variant.
Genome position (GRCh38, 1-based): chr2:47,385,195, G>A. VCF-style: chr2-47385195-G-A. GRCh37 (hg19) VCF-style: chr2-47612334-G-A.
Identifiers: ClinVar variation 2650878 (VCV002650878.24), dbSNP rs762722885, ClinGen allele CA1649198.